The following is an entry in ClinVar:

NM_007186.6(CEP250):c.1120A>T (p.Ser374Cys)

Genes: CEP250 (centrosomal protein 250; plus strand), CEP250-AS1 (CEP250 antisense RNA 1; minus strand). Cytogenetic location: 20q11.22.
Variant type: single nucleotide variant.
Coding change: c.1120A>T on transcript NM_007186.6 (MANE Select); coding-DNA position 1120, A replaced by T.
Protein change: p.Ser374Cys; replaces serine 374 with cysteine.
Molecular consequence: missense variant. On other transcripts: 5 prime UTR variant (1).
Genome position (GRCh38, 1-based): chr20:35,472,742, A>T. VCF-style: chr20-35472742-A-T. GRCh37 (hg19) VCF-style: chr20-34060567-A-T.
Other names: c.-780A>T (NM_001318219.1); short protein forms S374C.
Identifiers: ClinVar variation 1431058 (VCV001431058.6), dbSNP rs755168706, ClinGen allele CA408759384.

ClinVar aggregate classification (germline): Uncertain significance (1 of 4 stars; one submission).

Submission:

Labcorp Genetics (formerly Invitae), Labcorp
Classification: Uncertain significance. Last evaluated: 2024-04-17. Review status: criteria provided, single submitter. Criteria: Invitae Variant Classification Sherloc (09022015). Collection method: clinical testing. Allele origin: germline.
Comment: This sequence change replaces serine, which is neutral and polar, with cysteine, which is neutral and slightly polar, at codon 374 of the CEP250 protein (p.Ser374Cys). This variant is not present in population databases (gnomAD no frequency). This variant has not been reported in the literature in individuals affected with CEP250-related conditions. ClinVar contains an entry for this variant (Variation ID: 1431058). Algorithms developed to predict the effect of missense changes on protein structure and function output the following: SIFT: "Not Available"; PolyPhen-2: "Benign"; Align-GVGD: "Not Available". The cysteine amino acid residue is found in multiple mammalian species, which suggests that this missense change does not adversely affect protein function. In summary, the available evidence is currently insufficient to determine the role of this variant in disease. Therefore, it has been classified as a Variant of Uncertain Significance.